The following is an entry in ClinVar:

NM_002769.5(PRSS1):c.80G>T (p.Gly27Val)

Genes: PRSS1 (serine protease 1; plus strand), TRB (T cell receptor beta locus; plus strand). Cytogenetic location: 7q34.
Variant type: single nucleotide variant.
Coding change: c.80G>T on transcript NM_002769.5 (MANE Select); coding-DNA position 80, G replaced by T.
Protein change: p.Gly27Val; replaces glycine 27 with valine.
Molecular consequence: missense variant. On other transcripts: non-coding transcript variant (2).
Genome position (GRCh38, 1-based): chr7:142,750,594, G>T. VCF-style: chr7-142750594-G-T. GRCh37 (hg19) VCF-style: chr7-142458445-G-T.
Other names: short protein forms G27V.
Identifiers: ClinVar variation 4145688 (VCV004145688.1).

ClinVar aggregate classification (germline): Uncertain significance (1 of 4 stars; one submission).

Conditions:
Hereditary pancreatitis (PCTT). Also called: Hereditary chronic pancreatitis; PRSS1-Related Hereditary Pancreatitis. Identifiers: Orphanet 676, MedGen C0238339, MONDO:0008185, OMIM 167800.

Submission:

Ambry Genetics
Classification: Uncertain significance for Hereditary pancreatitis. Last evaluated: 2025-07-09. Review status: criteria provided, single submitter. Criteria: Ambry Variant Classification Scheme 2023. Collection method: clinical testing. Allele origin: germline.
Comment: The p.G27V variant (also known as c.80G>T), located in coding exon 2 of the PRSS1 gene, results from a G to T substitution at nucleotide position 80. The glycine at codon 27 is replaced by valine, an amino acid with dissimilar properties. This amino acid position is conserved. In addition, this alteration is predicted to be deleterious by in silico analysis. Based on the available evidence, the clinical significance of this variant remains unclear.